The following is an entry in ClinVar:

NM_015450.3(POT1):c.506T>C (p.Leu169Ser)

Gene: POT1 (protection of telomeres 1; minus strand). Cytogenetic location: 7q31.33.
Variant type: single nucleotide variant.
Coding change: c.506T>C on transcript NM_015450.3 (MANE Select); coding-DNA position 506, T replaced by C.
Protein change: p.Leu169Ser; replaces leucine 169 with serine.
Molecular consequence: missense variant. On other transcripts: non-coding transcript variant (3).
Genome position (GRCh38, 1-based): chr7:124,863,390, A>G on the plus strand (T>C on the coding strand, the complement: POT1 is on the minus strand). VCF-style: chr7-124863390-A-G. GRCh37 (hg19) VCF-style: chr7-124503444-A-G.
Other names: c.113T>C, p.Leu38Ser (NM_001042594.2); short protein forms L169S, L38S.
Identifiers: ClinVar variation 1930415 (VCV001930415.5), dbSNP rs2485479604, ClinGen allele CA369058809.

ClinVar aggregate classification (germline): Uncertain significance (1 of 4 stars; one submission).

Conditions:
Tumor predisposition syndrome 3 (TPDS3). Also called: LONG TELOMERE SYNDROME, POT1-RELATED; POT1 Tumor Predisposition; Melanoma, cutaneous malignant, susceptibility to, 10; Glioma susceptibility 9. Identifiers: Orphanet 618, MedGen C4014476, MONDO:0014368, OMIM 615848.

Submission:

Labcorp Genetics (formerly Invitae), Labcorp
Classification: Uncertain significance for Tumor predisposition syndrome 3. Last evaluated: 2022-08-09. Review status: criteria provided, single submitter. Criteria: Invitae Variant Classification Sherloc (09022015). Collection method: clinical testing. Allele origin: germline.
Comment: This sequence change replaces leucine, which is neutral and non-polar, with serine, which is neutral and polar, at codon 169 of the POT1 protein (p.Leu169Ser). This variant is not present in population databases (gnomAD no frequency). In summary, the available evidence is currently insufficient to determine the role of this variant in disease. Therefore, it has been classified as a Variant of Uncertain Significance. This variant has not been reported in the literature in individuals affected with POT1-related conditions. Algorithms developed to predict the effect of missense changes on protein structure and function are either unavailable or do not agree on the potential impact of this missense change (SIFT: "Deleterious"; PolyPhen-2: "Possibly Damaging"; Align-GVGD: "Class C0").